The following is an entry in ClinVar:

ClinVar aggregate classification (germline): Pathogenic (1 of 4 stars; one submission).

Conditions:
Rafiq syndrome (RAFQS). Identifiers: Orphanet 88616, MedGen C3280127, MONDO:0013624, OMIM 614202.

Submission:

Labcorp Genetics (formerly Invitae), Labcorp
Classification: Pathogenic for Rafiq syndrome. Last evaluated: 2023-08-24. Review status: criteria provided, single submitter. Criteria: Invitae Variant Classification Sherloc (09022015). Collection method: clinical testing. Allele origin: germline.
Comment: For these reasons, this variant has been classified as Pathogenic. ClinVar contains an entry for this variant (Variation ID: 2115404). This variant has not been reported in the literature in individuals affected with MAN1B1-related conditions. This variant is present in population databases (no rsID available, gnomAD 0.002%). This sequence change creates a premature translational stop signal (p.Arg410Valfs*15) in the MAN1B1 gene. It is expected to result in an absent or disrupted protein product. Loss-of-function variants in MAN1B1 are known to be pathogenic (PMID: 24566669).

Literature cited by the submitters: PubMed 24566669.

NM_016219.5(MAN1B1):c.1228del (p.Arg410fs)

Gene: MAN1B1 (mannosidase alpha class 1B member 1; plus strand). Cytogenetic location: 9q34.3.
Variant type: Deletion.
Coding change: c.1228del on transcript NM_016219.5 (MANE Select); coding-DNA position 1228, one base deleted (C; older notation c.1228delC).
Protein change: p.Arg410fs; shifts the reading frame from arginine 410.
Molecular consequence: frameshift variant. On other transcripts: non-coding transcript variant (2).
Genome position (GRCh38, 1-based): chr9:137,101,646, C deleted; the last of 3 consecutive C bases (chr9:137,101,644-137,101,646); deleting any one gives the same sequence. VCF-style (leftmost placement, unchanged base first): chr9-137101643-TC-T. GRCh37 (hg19) VCF-style: chr9-139996095-TC-T.
Other names: c.1120delC, p.Arg374Valfs (NM_007230.1); short protein forms R410fs.
Identifiers: ClinVar variation 2115404 (VCV002115404.4), dbSNP rs1419259096, ClinGen allele CA591372682.